The following is an entry in ClinVar:

NM_032608.7(MYO18B):c.5082A>T (p.Glu1694Asp)

Gene: MYO18B (myosin XVIIIB; plus strand). Cytogenetic location: 22q12.1.
Variant type: single nucleotide variant.
Coding change: c.5082A>T on transcript NM_032608.7 (MANE Select); coding-DNA position 5082, A replaced by T.
Protein change: p.Glu1694Asp; replaces glutamic acid 1694 with aspartic acid.
Molecular consequence: missense variant.
Genome position (GRCh38, 1-based): chr22:25,903,765, A>T. VCF-style: chr22-25903765-A-T. GRCh37 (hg19) VCF-style: chr22-26299732-A-T.
Other names: c.5085A>T, p.Glu1695Asp (NM_001318245.2); short protein forms E1694D, E1695D.
Identifiers: ClinVar variation 1492811 (VCV001492811.3), dbSNP rs368848626, ClinGen allele CA10161062.
Genomic context (GRCh38, chr22:25,903,765, plus strand): 5'-GTCACCCTCTCTGGGGGAAAATTGCGTTGCTGGCTTGAAGGAGAGGCTCTGGAAGTTGGA[A>T]TCCAGCGCCCTTGAGCAACAGAAAATCCAGAGCCAGCAGGAAAACACCATCAAGCAGCTG-3'
Protein context (NP_115997.5, residues 1684-1704): AGLKERLWKL[Glu1694Asp]SSALEQQKIQ

ClinVar aggregate classification (germline): Uncertain significance (1 of 4 stars; one submission).

Allele frequency attached by ClinVar (database versions not stated): ESP Exome Variant Server 0.00008.
gnomAD v4.1: 46 of 1,604,572 alleles (0.0029%); highest among the groups gnomAD compares: Non-Finnish European, 0.0037%; no homozygotes.

Submission:

Labcorp Genetics (formerly Invitae), Labcorp
Classification: Uncertain significance. Last evaluated: 2022-07-30. Review status: criteria provided, single submitter. Criteria: Invitae Variant Classification Sherloc (09022015). Collection method: clinical testing. Allele origin: germline.
Comment: This sequence change replaces glutamic acid, which is acidic and polar, with aspartic acid, which is acidic and polar, at codon 1694 of the MYO18B protein (p.Glu1694Asp). This variant is present in population databases (rs368848626, gnomAD 0.005%). This variant has not been reported in the literature in individuals affected with MYO18B-related conditions. ClinVar contains an entry for this variant (Variation ID: 1492811). Algorithms developed to predict the effect of missense changes on protein structure and function are either unavailable or do not agree on the potential impact of this missense change (SIFT: "Not Available"; PolyPhen-2: "Probably Damaging"; Align-GVGD: "Not Available"). In summary, the available evidence is currently insufficient to determine the role of this variant in disease. Therefore, it has been classified as a Variant of Uncertain Significance.